The following is an entry in ClinVar:

ClinVar aggregate classification (germline): Likely pathogenic (1 of 4 stars; one submission).

Conditions:
Hereditary cancer-predisposing syndrome. Also called: Neoplastic Syndromes, Hereditary; Tumor predisposition; Hereditary Cancer Syndrome; Hereditary neoplastic syndrome. Identifiers: Orphanet 140162, MedGen C0027672, MeSH D009386, MONDO:0015356.

Submissions (2):

Ambry Genetics
Classification: Likely pathogenic for Hereditary cancer-predisposing syndrome. Last evaluated: 2025-11-25. Review status: criteria provided, single submitter. Criteria: Ambry Variant Classification Scheme 2023. Collection method: clinical testing. Allele origin: germline.
Comment: The p.W1712G variant (also known as c.5134T>G), located in coding exon 16 of the BRCA1 gene, results from a T to G substitution at nucleotide position 5134. The tryptophan at codon 1712 is replaced by glycine, an amino acid with highly dissimilar properties. One functional study found that this nucleotide substitution is non-functional in a high throughput genome editing haploid cell survival assay (Findlay GM et al. Nature, 2018 Oct;562:217-222). This amino acid position is highly conserved in available vertebrate species. In addition, this alteration is predicted to be deleterious by in silico analysis. This variant is considered to be rare based on population cohorts in the Genome Aggregation Database (gnomAD). Based on the majority of available evidence to date, this variant is likely to be pathogenic.

Brotman Baty Institute, University of Washington
No classification provided (evidence only). Condition: Breast-ovarian cancer, familial 1. Review status: no classification provided. Collection method: in vitro. Allele origin: not applicable. Functional consequence: functionally_abnormal. Not counted in ClinVar's aggregate classification.
ClinVar note: "not provided" was previously submitted as the classification for the variant. However, the classification appeared to be based only on an observation of functional data so it was converted to no classification on 2025-07-30.

Literature cited by the submitters: PubMed 30209399 (cited by Ambry Genetics).

NM_007294.4(BRCA1):c.5134T>G (p.Trp1712Gly)

Gene: BRCA1 (BRCA1 DNA repair associated; minus strand). Cytogenetic location: 17q21.31.
Variant type: single nucleotide variant.
Coding change: c.5134T>G on transcript NM_007294.4 (MANE Select); coding-DNA position 5134, T replaced by G.
Protein change: p.Trp1712Gly; replaces tryptophan 1712 with glycine.
Molecular consequence: missense variant. On other transcripts: non-coding transcript variant (1).
Genome position (GRCh38, 1-based): chr17:43,063,892, A>C on the plus strand (T>G on the coding strand, the complement: BRCA1 is on the minus strand). VCF-style: chr17-43063892-A-C. GRCh37 (hg19) VCF-style: chr17-41215909-A-C.
Other names: c.4921T>G, p.Trp1641Gly (NM_001407571.1, NM_001407904.1, NM_001407906.1 and 12 more transcripts); c.5200T>G, p.Trp1734Gly (NM_001407581.1, NM_001407582.1); c.5197T>G, p.Trp1733Gly (NM_001407583.1, NM_001407585.1, NM_001407587.1 and 1 more transcripts); c.5194T>G, p.Trp1732Gly (NM_001407590.1, NM_001407591.1); c.5134T>G, p.Trp1712Gly (NM_001407593.1, NM_001407594.1, NM_001407596.1 and 7 more transcripts); c.5131T>G, p.Trp1711Gly (NM_001407610.1, NM_001407611.1, NM_001407612.1 and 17 more transcripts); c.5128T>G, p.Trp1710Gly (NM_001407629.1, NM_001407630.1, NM_001407631.1 and 14 more transcripts); c.5074T>G, p.Trp1692Gly (NM_001407649.1); and 71 more; short protein forms W1733G, W1665G, W608G, W1712G, W1543G, W1583G, W1599G, W1600G.
Identifiers: ClinVar variation 867686 (VCV000867686.4), dbSNP rs2051913334, ClinGen allele CA10591273.